The following is an entry in ClinVar:

ClinVar aggregate classification (germline): Uncertain significance (1 of 4 stars; one submission).

gnomAD v4.1: 2 of 1,354,274 alleles (0.00015%); highest among the groups gnomAD compares: Admixed American, 0.0076%; no homozygotes.

Submission:

Labcorp Genetics (formerly Invitae), Labcorp
Classification: Uncertain significance. Last evaluated: 2026-02-02. Review status: criteria provided, single submitter. Criteria: Invitae Variant Classification Sherloc (09022015). Collection method: clinical testing. Allele origin: germline.
Comment: This sequence change replaces histidine, which is basic and polar, with glutamine, which is neutral and polar, at codon 6 of the NDUFAF6 protein (p.His6Gln). The frequency data for this variant in the population databases is considered unreliable, as metrics indicate poor data quality at this position in the gnomAD database. This variant has not been reported in the literature in individuals affected with NDUFAF6-related conditions. ClinVar contains an entry for this variant (Variation ID: 2140444). An algorithm developed to predict the effect of missense changes on protein structure and function outputs the following: PolyPhen-2: "Benign". The glutamine amino acid residue is found in multiple mammalian species, which suggests that this missense change does not adversely affect protein function. In summary, the available evidence is currently insufficient to determine the role of this variant in disease. Therefore, it has been classified as a Variant of Uncertain Significance.

NM_152416.4(NDUFAF6):c.18C>A (p.His6Gln)

Genes: NDUFAF6 (NADH:ubiquinone oxidoreductase complex assembly factor 6; plus strand), LOC113788297 (Sharpr-MPRA regulatory region 2014; plus strand). Cytogenetic location: 8q22.1.
Variant type: single nucleotide variant.
Coding change: c.18C>A on transcript NM_152416.4 (MANE Select); coding-DNA position 18, C replaced by A.
Protein change: p.His6Gln; replaces histidine 6 with glutamine.
Molecular consequence: missense variant. On other transcripts: 5 prime UTR variant (12), non-coding transcript variant (6), intron variant (7).
Genome position (GRCh38, 1-based): chr8:95,025,026, C>A. VCF-style: chr8-95025026-C-A. GRCh37 (hg19) VCF-style: chr8-96037254-C-A.
Other names: c.-263C>A (NM_001330582.2, NM_001354521.2); c.-216C>A (NM_001354517.2); c.-435C>A (NM_001354518.2); c.-431C>A (NM_001354519.2); c.-780C>A (NM_001354527.2); c.-751C>A (NM_001354528.2); c.-563C>A (NM_001354529.2); c.-665C>A (NM_001354530.2); and 8 more; short protein forms H6Q.
Identifiers: ClinVar variation 2140444 (VCV002140444.4), dbSNP rs753477252, ClinGen allele CA371742180.
Genomic context (GRCh38, chr8:95,025,026, plus strand): 5'-CGCGCCGACGGCGGGGGGTCGAAGGGCACGCAGTGCCGGCGTCATGGCGGCCTCCGCGCA[C>A]GGCTCTGTCTGGGGGCCGTTGCGGCTTGGCATCCCCGGCCTGTGCTGCCGCCGGCCGCCT-3'
Protein context (NP_689629.2, residues 1-16): MAASA[His6Gln]GSVWGPLRLG